The following is an entry in ClinVar:

ClinVar aggregate classification (germline): Uncertain significance (1 of 4 stars; one submission).

gnomAD v4.1: 8 of 1,390,506 alleles (0.00058%); highest among the groups gnomAD compares: Non-Finnish European, 0.00075%; no homozygotes.

Submission:

Labcorp Genetics (formerly Invitae), Labcorp
Classification: Uncertain significance. Last evaluated: 2025-04-24. Review status: criteria provided, single submitter. Criteria: Invitae Variant Classification Sherloc (09022015). Collection method: clinical testing. Allele origin: germline.
Comment: This sequence change falls in intron 9 of the BUB1 gene. It does not directly change the encoded amino acid sequence of the BUB1 protein. It affects a nucleotide within the consensus splice site. This variant is present in population databases (rs765154934, gnomAD 0.003%). This variant has not been reported in the literature in individuals affected with BUB1-related conditions. Variants that disrupt the consensus splice site are a relatively common cause of aberrant splicing (PMID: 17576681, 9536098). In summary, the available evidence is currently insufficient to determine the role of this variant in disease. Therefore, it has been classified as a Variant of Uncertain Significance.

Literature cited by the submitters: PubMed 17576681; PubMed 9536098.

NM_004336.5(BUB1):c.957+6T>C

Gene: BUB1 (BUB1 mitotic checkpoint serine/threonine kinase; minus strand). Cytogenetic location: 2q13.
Variant type: single nucleotide variant.
Coding change: c.957+6T>C on transcript NM_004336.5 (MANE Select); 6 bases into the intron after coding-DNA position 957, T replaced by C.
Molecular consequence: intron variant.
Genome position (GRCh38, 1-based): chr2:110,666,257, A>G on the plus strand (T>C on the coding strand, the complement: BUB1 is on the minus strand). VCF-style: chr2-110666257-A-G. GRCh37 (hg19) VCF-style: chr2-111423834-A-G.
Other names: c.897+6T>C (NM_001278616.2); c.957+6T>C (NM_001278617.2).
Identifiers: ClinVar variation 4749721 (VCV004749721.1).